The following is an entry in ClinVar:

ClinVar aggregate classification (germline): Conflicting classifications of pathogenicity. Review status: criteria provided, conflicting classifications (1 of 4 stars). 2 submissions from 2 submitters: Uncertain significance (1); Likely benign (1). Last evaluated 2024-10-07.

Conditions:
Inborn genetic diseases. Identifiers: MedGen C0950123, MeSH D030342.
Charcot-Marie-Tooth disease type 1C. Also called: CMT, SLOW NERVE CONDUCTION TYPE C; HMSN IC; CHARCOT-MARIE-TOOTH NEUROPATHY, TYPE 1C; NEUROPATHY, HEREDITARY MOTOR AND SENSORY, TYPE IC; CHARCOT-MARIE-TOOTH DISEASE, DEMYELINATING, TYPE 1C; Charcot-Marie-Tooth disease, type IC. Identifiers: Orphanet 101083, MedGen C0270913, MONDO:0010995, OMIM 601098.

Allele frequency attached by ClinVar (database versions not stated): TOPMed 0.00001; ExAC 0.00002.
gnomAD v4.1: 37 of 1,614,012 alleles (0.0023%); highest among the groups gnomAD compares: East Asian, 0.011%; no homozygotes.

Submissions (2):

Labcorp Genetics (formerly Invitae), Labcorp
Classification: Uncertain significance for Charcot-Marie-Tooth disease type 1C. Last evaluated: 2024-10-07. Review status: criteria provided, single submitter. Criteria: Invitae Variant Classification Sherloc (09022015). Collection method: clinical testing. Allele origin: germline.
Comment: This sequence change replaces alanine, which is neutral and non-polar, with threonine, which is neutral and polar, at codon 19 of the LITAF protein (p.Ala19Thr). This variant is present in population databases (rs753060675, gnomAD 0.03%). This variant has not been reported in the literature in individuals affected with LITAF-related conditions. ClinVar contains an entry for this variant (Variation ID: 944155). An algorithm developed to predict the effect of missense changes on protein structure and function (PolyPhen-2) suggests that this variant is likely to be tolerated. In summary, the available evidence is currently insufficient to determine the role of this variant in disease. Therefore, it has been classified as a Variant of Uncertain Significance.

Ambry Genetics
Classification: Likely benign for Inborn genetic diseases. Last evaluated: 2020-05-19. Review status: criteria provided, single submitter. Criteria: Ambry Variant Classification Scheme 2023. Collection method: clinical testing. Allele origin: germline.

NM_001136472.2(LITAF):c.55G>A (p.Ala19Thr)

Gene: LITAF (lipopolysaccharide induced TNF factor; minus strand). Cytogenetic location: 16p13.13.
Variant type: single nucleotide variant.
Coding change: c.55G>A on transcript NM_001136472.2 (MANE Select); coding-DNA position 55, G replaced by A.
Protein change: p.Ala19Thr; replaces alanine 19 with threonine.
Molecular consequence: missense variant. On other transcripts: non-coding transcript variant (1).
Genome position (GRCh38, 1-based): chr16:11,556,676, C>T on the plus strand (G>A on the coding strand, the complement: LITAF is on the minus strand). VCF-style: chr16-11556676-C-T. GRCh37 (hg19) VCF-style: chr16-11650532-C-T.
Other names: c.55G>A, p.Ala19Thr (NM_001136473.1, NM_004862.4); short protein forms A19T.
Identifiers: ClinVar variation 944155 (VCV000944155.11), dbSNP rs753060675, ClinGen allele CA7904191.
Genomic context (GRCh38, chr16:11,556,676, plus strand): 5'-GAGCTGGAGGTGTGGGGTAATAACTGTTAACAGCCACTGTCTCTTCATAGGATGGAGGTG[C>T]GGATGGTGCTGAGGAAGGCCCAGTGGCCGCCTGGTAAGGTCCTGGAACCGACATTTTACC-3'
Protein context (NP_001129944.1, residues 9-29): AATGPSSAPS[Ala19Thr]PPSYEETVAV